The following is an entry in ClinVar:

NM_003073.5(SMARCB1):c.232+5G>A

Gene: SMARCB1 (SWI/SNF related BAF chromatin remodeling complex subunit B1; plus strand). Cytogenetic location: 22q11.23.
Variant type: single nucleotide variant.
Coding change: c.232+5G>A on transcript NM_003073.5 (MANE Select); 5 bases into the intron after coding-DNA position 232, G replaced by A.
Molecular consequence: intron variant.
Genome position (GRCh38, 1-based): chr22:23,791,899, G>A. VCF-style: chr22-23791899-G-A. GRCh37 (hg19) VCF-style: chr22-24134086-G-A.
Other names: c.232+5G>A (LRG_520t1, NM_001362877.2); c.205+32G>A (NM_001317946.2, NM_001007468.3).
Identifiers: ClinVar variation 464324 (VCV000464324.13), dbSNP rs1555875932, ClinGen allele CA658658907.

ClinVar aggregate classification (germline): Uncertain significance. Review status: criteria provided, multiple submitters, no conflicts (2 of 4 stars). 4 submissions from 4 submitters: Uncertain significance (4). Last evaluated 2025-10-01.

Conditions:
Hereditary cancer-predisposing syndrome. Also called: Neoplastic Syndromes, Hereditary; Tumor predisposition; Hereditary Cancer Syndrome; Hereditary neoplastic syndrome. Identifiers: Orphanet 140162, MedGen C0027672, MeSH D009386, MONDO:0015356.
Rhabdoid tumor predisposition syndrome 1 (RTPS1). Also called: Familial Posterior Fossa Brain Tumor of Infancy. Identifiers: Orphanet 231108, Orphanet 69077, MedGen C1836327, MONDO:0012252, OMIM 609322.

Submissions (4):

Ambry Genetics
Classification: Uncertain significance for Hereditary cancer-predisposing syndrome. Last evaluated: 2025-10-01. Review status: criteria provided, single submitter. Criteria: Ambry Variant Classification Scheme 2023. Collection method: clinical testing. Allele origin: germline.
Comment: The c.232+5G>A intronic variant results from a G to A substitution 5 nucleotides after coding exon 2 in the SMARCB1 gene. This nucleotide position is well conserved in available vertebrate species. In silico splice site analysis predicts that this alteration may weaken the native splice donor site; however, direct evidence is insufficient at this time (Ambry internal data). Since supporting evidence is limited at this time, the clinical significance of this alteration remains unclear.

GeneDx
Classification: Uncertain significance. Last evaluated: 2024-09-10. Review status: criteria provided, single submitter. Criteria: GeneDx Variant Classification Process June 2021. Collection method: clinical testing. Allele origin: germline. Affected: yes.
Comment: Not observed at significant frequency in large population cohorts (gnomAD); Has not been previously published as pathogenic or benign to our knowledge; In silico analysis is inconclusive as to whether the variant alters gene splicing. In the absence of RNA/functional studies, the actual effect of this sequence change is unknown.

Labcorp Genetics (formerly Invitae), Labcorp
Classification: Uncertain significance. Last evaluated: 2024-07-21. Review status: criteria provided, single submitter. Criteria: Invitae Variant Classification Sherloc (09022015). Collection method: clinical testing. Allele origin: germline.
Comment: This sequence change falls in intron 2 of the SMARCB1 gene. It does not directly change the encoded amino acid sequence of the SMARCB1 protein. It affects a nucleotide within the consensus splice site. This variant is not present in population databases (gnomAD no frequency). This variant has been observed in individual(s) with clinical features of SMARCB1-related conditions (Invitae). ClinVar contains an entry for this variant (Variation ID: 464324). Variants that disrupt the consensus splice site are a relatively common cause of aberrant splicing (PMID: 17576681, 9536098). Studies have shown this variant is associated with skipping of part of exon 2, but one or more of the resulting mRNA isoform(s) may be naturally occurring (Invitae). In summary, the available evidence is currently insufficient to determine the role of this variant in disease. Therefore, it has been classified as a Variant of Uncertain Significance.

Baylor Genetics
Classification: Uncertain significance for Rhabdoid tumor predisposition syndrome 1. Last evaluated: 2023-11-05. Review status: criteria provided, single submitter. Criteria: ACMG Guidelines, 2015. Collection method: clinical testing. Allele origin: unknown.

Literature cited by the submitters: PubMed 17576681 (cited by Labcorp Genetics (formerly Invitae), Labcorp); PubMed 9536098 (cited by Labcorp Genetics (formerly Invitae), Labcorp).